The following is an entry in ClinVar:

NM_022436.3(ABCG5):c.1007A>G (p.His336Arg)

Genes: ABCG5 (ATP binding cassette subfamily G member 5; minus strand), DYNC2LI1 (dynein cytoplasmic 2 light intermediate chain 1; plus strand). Cytogenetic location: 2p21.
Variant type: single nucleotide variant.
Coding change: c.1007A>G on transcript NM_022436.3 (MANE Select); coding-DNA position 1007, A replaced by G.
Protein change: p.His336Arg; replaces histidine 336 with arginine.
Molecular consequence: missense variant. On other transcripts: intron variant (2).
Genome position (GRCh38, 1-based): chr2:43,824,330, T>C on the plus strand (A>G on the coding strand, the complement: ABCG5 is on the minus strand). VCF-style: chr2-43824330-T-C. GRCh37 (hg19) VCF-style: chr2-44051469-T-C.
Other names: c.*16-3056T>C (NM_001348913.2, NM_001348912.2); short protein forms H336R.
Identifiers: ClinVar variation 3310144 (VCV003310144.1).

ClinVar aggregate classification (germline): Uncertain significance (1 of 4 stars; one submission).

Conditions:
Cardiovascular phenotype. Identifiers: MedGen CN230736.

gnomAD v4.1: 1 of 1,614,222 alleles (0.000062%); highest among the groups gnomAD compares: Non-Finnish European, 0.000085%; no homozygotes.

Submission:

Ambry Genetics
Classification: Uncertain significance for Cardiovascular phenotype. Last evaluated: 2024-04-09. Review status: criteria provided, single submitter. Criteria: Ambry Variant Classification Scheme 2023. Collection method: clinical testing. Allele origin: germline.
Comment: The p.H336R variant (also known as c.1007A>G), located in coding exon 8 of the ABCG5 gene, results from an A to G substitution at nucleotide position 1007. The histidine at codon 336 is replaced by arginine, an amino acid with highly similar properties. This amino acid position is conserved. In addition, this alteration is predicted to be tolerated by in silico analysis. Based on the available evidence, the clinical significance of this variant remains unclear.